The following is an entry in ClinVar:

NM_001384140.1(PCDH15):c.2031del (p.Asp677fs)

Gene: PCDH15 (protocadherin related 15; minus strand). Cytogenetic location: 10q21.1.
Variant type: Deletion.
Coding change: c.2031del on transcript NM_001384140.1 (MANE Select); coding-DNA position 2031, one base deleted (C; older notation c.2031delC).
Protein change: p.Asp677fs; shifts the reading frame from aspartic acid 677.
Molecular consequence: frameshift variant.
Genome position (GRCh38, 1-based): chr10:54,079,391, G deleted on the plus strand (C on the coding strand, the reverse complement: PCDH15 is on the minus strand). VCF-style (leftmost placement, unchanged base first): chr10-54079390-TG-T. GRCh37 (hg19) VCF-style: chr10-55839150-TG-T.
Other names: c.2046del, p.Asp682fs (NM_001142763.2, NM_001142771.2); c.2031del, p.Asp677fs (NM_001142764.2, NM_001142766.2, NM_001142770.3 and 5 more transcripts); c.1818del, p.Asp606fs (NM_001142765.2); c.1920del, p.Asp640fs (NM_001142767.2); c.1965del, p.Asp655fs (NM_001142768.2, NM_001142773.2, NM_001354404.2); c.2067delC, p.Asp689Glufs (NM_001142769.4); c.2052del, p.Asp684fs (NM_001354411.2); short protein forms D655fs, D677fs, D606fs, D640fs, D684fs, D689fs, D682fs.
Identifiers: ClinVar variation 2747597 (VCV002747597.3), dbSNP rs2539901907, ClinGen allele CA2697558371.

ClinVar aggregate classification (germline): Pathogenic (1 of 4 stars; one submission).

Submission:

Labcorp Genetics (formerly Invitae), Labcorp
Classification: Pathogenic. Last evaluated: 2023-08-04. Review status: criteria provided, single submitter. Criteria: Invitae Variant Classification Sherloc (09022015). Collection method: clinical testing. Allele origin: germline.
Comment: For these reasons, this variant has been classified as Pathogenic. This variant has not been reported in the literature in individuals affected with PCDH15-related conditions. This variant is not present in population databases (gnomAD no frequency). This sequence change creates a premature translational stop signal (p.Asp677Glufs*10) in the PCDH15 gene. It is expected to result in an absent or disrupted protein product. Loss-of-function variants in PCDH15 are known to be pathogenic (PMID: 11398101, 11487575, 14570705).

Literature cited by the submitters: PubMed 11398101; PubMed 11487575; PubMed 14570705.